The following is an entry in ClinVar:

ClinVar aggregate classification (germline): Uncertain significance (1 of 4 stars; one submission).

Allele frequency attached by ClinVar (database versions not stated): TOPMed below 0.00001; gnomAD 0.00001; gnomAD exomes 0.00002; ExAC 0.00004.
gnomAD v4.1: 10 of 1,613,222 alleles (0.00062%); highest among the groups gnomAD compares: Non-Finnish European, 0.00085%; no homozygotes.

Submission:

Labcorp Genetics (formerly Invitae), Labcorp
Classification: Uncertain significance. Last evaluated: 2024-02-24. Review status: criteria provided, single submitter. Criteria: Invitae Variant Classification Sherloc (09022015). Collection method: clinical testing. Allele origin: germline.
Comment: This sequence change replaces aspartic acid with glycine at codon 224 of the ATAD1 protein (p.Asp224Gly). The aspartic acid residue is moderately conserved and there is a moderate physicochemical difference between aspartic acid and glycine. This variant is present in population databases (rs745557544, gnomAD 0.004%). This variant has not been reported in the literature in individuals affected with ATAD1-related conditions. ClinVar contains an entry for this variant (Variation ID: 1522566). An algorithm developed to predict the effect of missense changes on protein structure and function (PolyPhen-2) suggests that this variant is likely to be tolerated. In summary, the available evidence is currently insufficient to determine the role of this variant in disease. Therefore, it has been classified as a Variant of Uncertain Significance.

NM_001321967.2(ATAD1):c.671A>G (p.Asp224Gly)

Gene: ATAD1 (ATPase family AAA domain containing 1; minus strand). Cytogenetic location: 10q23.31.
Variant type: single nucleotide variant.
Coding change: c.671A>G on transcript NM_001321967.2 (MANE Select); coding-DNA position 671, A replaced by G.
Protein change: p.Asp224Gly; replaces aspartic acid 224 with glycine.
Molecular consequence: missense variant. On other transcripts: non-coding transcript variant (1).
Genome position (GRCh38, 1-based): chr10:87,776,340, T>C on the plus strand (A>G on the coding strand, the complement: ATAD1 is on the minus strand). VCF-style: chr10-87776340-T-C. GRCh37 (hg19) VCF-style: chr10-89536097-T-C.
Other names: c.671A>G, p.Asp224Gly (NM_001321968.2, NM_032810.4); c.314A>G, p.Asp105Gly (NM_001321969.2); short protein forms D105G, D224G.
Identifiers: ClinVar variation 1522566 (VCV001522566.8), dbSNP rs745557544, ClinGen allele CA5590037.